The following is an entry in ClinVar:

NM_020911.2(PLXNA4):c.2434G>A (p.Gly812Arg)

Gene: PLXNA4 (plexin A4; minus strand). Cytogenetic location: 7q32.3.
Variant type: single nucleotide variant.
Coding change: c.2434G>A on transcript NM_020911.2 (MANE Select); coding-DNA position 2434, G replaced by A.
Protein change: p.Gly812Arg; replaces glycine 812 with arginine.
Molecular consequence: missense variant.
Genome position (GRCh38, 1-based): chr7:132,202,798, C>T on the plus strand (G>A on the coding strand, the complement: PLXNA4 is on the minus strand). VCF-style: chr7-132202798-C-T. GRCh37 (hg19) VCF-style: chr7-131887557-C-T.
Other names: c.2434G>A, p.Gly812Arg (NM_001393897.1); short protein forms G812R.
Identifiers: ClinVar variation 4991366 (VCV004991366.1).

ClinVar aggregate classification (germline): Uncertain significance (1 of 4 stars; one submission).

Conditions:
PLXNA4-related disorder. Also called: PLXNA4-related condition.

gnomAD v4.1: 2 of 1,607,734 alleles (0.00012%); highest among the groups gnomAD compares: South Asian, 0.0011%; no homozygotes.

Submission:

PreventionGenetics, part of Exact Sciences
Classification: Uncertain significance for PLXNA4-related condition. Last evaluated: 2026-03-29. Review status: criteria provided, single submitter. Criteria: ACMG Guidelines, 2015. Collection method: clinical testing. Allele origin: germline.
Comment: The PLXNA4 c.2434G>A variant is predicted to result in the amino acid substitution p.Gly812Arg. To our knowledge, this variant has not been reported in the literature. This variant is also absent from one large public population database (gnomAD), indicating that this variant is rare in the general population. At this time, the clinical significance of this variant is uncertain due to the absence of conclusive functional and genetic evidence.